The following is an entry in ClinVar:

ClinVar aggregate classification (germline): Uncertain significance (1 of 4 stars; one submission).

Allele frequency attached by ClinVar (database versions not stated): gnomAD exomes below 0.00001.
gnomAD v4.1: 1 of 1,614,160 alleles (0.000062%); highest among the groups gnomAD compares: Admixed American, 0.0017%; no homozygotes.

Submission:

GeneDx
Classification: Uncertain significance. Last evaluated: 2024-03-13. Review status: criteria provided, single submitter. Criteria: GeneDx Variant Classification Process June 2021. Collection method: clinical testing. Allele origin: germline.
Comment: In silico analysis supports that this missense variant has a deleterious effect on protein structure/function; Has not been previously published as pathogenic or benign to our knowledge

NM_000875.5(IGF1R):c.2638G>T (p.Val880Leu)

Gene: IGF1R (insulin like growth factor 1 receptor; plus strand). Cytogenetic location: 15q26.3.
Variant type: single nucleotide variant.
Coding change: c.2638G>T on transcript NM_000875.5 (MANE Select); coding-DNA position 2638, G replaced by T.
Protein change: p.Val880Leu; replaces valine 880 with leucine.
Molecular consequence: missense variant.
Genome position (GRCh38, 1-based): chr15:98,924,540, G>T. VCF-style: chr15-98924540-G-T. GRCh37 (hg19) VCF-style: chr15-99467769-G-T.
Other names: c.2638G>T, p.Val880Leu (NM_001291858.2); short protein forms V880L.
Identifiers: ClinVar variation 1804425 (VCV001804425.2), dbSNP rs1182174604, ClinGen allele CA393682095.